The following is an entry in ClinVar:

NM_004415.4(DSP):c.1351C>T (p.Arg451Cys)

Gene: DSP (desmoplakin; plus strand). Cytogenetic location: 6p24.3.
Variant type: single nucleotide variant.
Coding change: c.1351C>T on transcript NM_004415.4 (MANE Select); coding-DNA position 1351, C replaced by T.
Protein change: p.Arg451Cys; replaces arginine 451 with cysteine.
Molecular consequence: missense variant.
Genome position (GRCh38, 1-based): chr6:7,568,521, C>T. VCF-style: chr6-7568521-C-T. GRCh37 (hg19) VCF-style: chr6-7568754-C-T.
Other names: c.1351C>T (LRG_423t1); c.1351C>T, p.Arg451Cys (NM_001008844.3, NM_001319034.2); short protein forms R451C.
Identifiers: ClinVar variation 373259 (VCV000373259.10), dbSNP rs1057518309, ClinGen allele CA16042676.
Genomic context (GRCh38, chr6:7,568,521, plus strand): 5'-TACAAGCGTCAGGTGCAGAACTTGGTAAACAAGTCTAAGAAGATTGTACAGCTGAAGCCT[C>T]GTAACCCAGACTACAGAAGCAATAAACCCATTATTCTCAGAGCTCTCTGTGACTACAAAC-3'
Protein context (NP_004406.2, residues 441-461): KSKKIVQLKP[Arg451Cys]NPDYRSNKPI

ClinVar aggregate classification (germline): Conflicting classifications of pathogenicity. Review status: criteria provided, conflicting classifications (1 of 4 stars). 5 submissions from 4 submitters: Likely pathogenic (1); Uncertain significance (3). 1 of the submissions does not count toward it. Last evaluated 2026-06-05.

Conditions:
Cardiovascular phenotype. Identifiers: MedGen CN230736.
Cardiomyopathy (CMYO). Also called: Cardiomyopathies. Identifiers: Orphanet 167848, MedGen C0878544, MONDO:0004994, HP:0001638. Inheritance: Various modes of inheritance.
Arrhythmogenic cardiomyopathy with wooly hair and keratoderma. Also called: PALMOPLANTAR KERATODERMA WITH LEFT VENTRICULAR CARDIOMYOPATHY AND WOOLLY HAIR; Dilated cardiomyopathy with woolly hair and keratoderma; Carvajal syndrome; Arrhythmogenic cardiomyopathy with woolly hair and keratoderma. Identifiers: Orphanet 65282, MedGen C1854063, MONDO:0011581, OMIM 605676.
Arrhythmogenic right ventricular dysplasia 8 (ARVD8). Also called: Arrhythmogenic Right Ventricular Dysplasia/Cardiomyopathy 8; ARRHYTHMOGENIC RIGHT VENTRICULAR CARDIOMYOPATHY 8; ARRHYTHMOGENIC RIGHT VENTRICULAR DYSPLASIA, FAMILIAL, 8. Identifiers: MedGen C1843896, MONDO:0011831, OMIM 607450.

Submissions (5):

Ambry Genetics
Classification: Likely pathogenic for Cardiovascular phenotype. Last evaluated: 2026-06-05. Review status: criteria provided, single submitter. Criteria: Ambry Variant Classification Scheme 2023. Collection method: clinical testing. Allele origin: germline.
Comment: The p.R451C variant (also known as c.1351C>T), located in coding exon 11 of the DSP gene, results from a C to T substitution at nucleotide position 1351. The arginine at codon 451 is replaced by cysteine, an amino acid with highly dissimilar properties. This variant was reported in individual(s) with arrhythmogenic left ventricular cardiomyopathy (ALVC) and in individuals with arrhythmogenic right ventricular cardiomyopathy (ARVC) (Cal&ograve; L et al. JACC Clin Electrophysiol, 2023 Dec;9:2615-2627; Gasperetti A et al. JACC Adv, 2024 Mar;3:100832). Another variant at the same codon, p.R451G (c.1351C>G), has been identified in individual(s) with DSP-related cardiomyopathy (Ng R et al. JCI Insight, 2019 Jun;5:[ePub ahead of print]; Bourfiss M et al. Circ Genom Precis Med, 2022 Dec;15:e003704; Wang W et al. Europace, 2022 Feb;24:268-277). This amino acid position is highly conserved in available vertebrate species. In addition, this alteration is predicted to be deleterious by in silico analysis. This variant is considered to be rare based on population cohorts in the Genome Aggregation Database (gnomAD). Based on the majority of available evidence to date, this variant is likely to be pathogenic.

Labcorp Genetics (formerly Invitae), Labcorp
Classification: Uncertain significance for Arrhythmogenic cardiomyopathy with wooly hair and keratoderma; Arrhythmogenic right ventricular dysplasia 8. Last evaluated: 2025-12-29. Review status: criteria provided, single submitter. Criteria: Invitae Variant Classification Sherloc (09022015). Collection method: clinical testing. Allele origin: germline.
Comment: This sequence change replaces arginine, which is basic and polar, with cysteine, which is neutral and slightly polar, at codon 451 of the DSP protein (p.Arg451Cys). This variant is not present in population databases (gnomAD no frequency). This variant has not been reported in the literature in individuals affected with DSP-related conditions. ClinVar contains an entry for this variant (Variation ID: 373259). An algorithm developed to predict the effect of missense changes on protein structure and function (PolyPhen-2) suggests that this variant is likely to be disruptive. This variant disrupts the p.Arg451 amino acid residue in DSP. Other variant(s) that disrupt this residue have been determined to be pathogenic (PMID: 31194698). This suggests that this residue is clinically significant, and that variants that disrupt this residue are likely to be disease-causing. In summary, the available evidence is currently insufficient to determine the role of this variant in disease. Therefore, it has been classified as a Variant of Uncertain Significance.

Color Diagnostics, LLC DBA Color Health
Classification: Uncertain significance for Cardiomyopathy. Last evaluated: 2025-11-18. Review status: criteria provided, single submitter. Criteria: ACMG Guidelines, 2015. Collection method: clinical testing. Allele origin: germline.
Comment: This missense variant replaces arginine with cysteine at codon 451 of the DSP protein. Computational prediction suggests that this variant may have deleterious impact on protein structure and function. To our knowledge, functional studies have not been reported for this variant. This variant has been reported in two individuals affected with arrhythmogenic right ventricular cardiomyopathy (ARVCPMID: 38938828) and in two related individuals affected with arrhythmogenic left ventricular cardiomyopathy (ARVCPMID: 37768253). Another variant at this codon has also been observed in individuals with ARVC (PMID: 31194698, 38938828) and is considered disease causing in ClinVar (p.Arg451GlyVariation ID: 948761). This variant has not been identified in the general population by the Genome Aggregation Database (gnomAD). The available evidence is insufficient to determine the role of this variant in disease conclusively. Therefore, this variant is classified as a Variant of Uncertain Significance.

GeneDx
Classification: Uncertain significance. Last evaluated: 2022-03-17. Review status: criteria provided, single submitter. Criteria: GeneDx Variant Classification Process June 2021. Collection method: clinical testing. Allele origin: germline. Affected: yes.
Comment: Has not been previously published as pathogenic or benign to our knowledge; Not observed at significant frequency in large population cohorts (gnomAD); In silico analysis supports that this missense variant has a deleterious effect on protein structure/function

GeneDx
Classification: Uncertain significance. Last evaluated: 2016-11-18. Review status: flagged submission. Criteria: GeneDx Variant Classification (06012015). Collection method: clinical testing. Allele origin: germline. Affected: yes. Not counted in ClinVar's aggregate classification.
Comment: A novel variant of uncertain significance has been identified in the DSP gene. The R451C variant has not been published as a pathogenic variant, nor has it been reported as a benign variant to our knowledge. It was not observed in approximately 6,500 individuals of European and African American ancestry in the NHLBI Exome Sequencing Project, indicating it is not a common benign variant in these populations. The R451C variant is a non-conservative amino acid substitution, which is likely to impact secondary protein structure as these residues differ in polarity, charge, size and/or other properties. Moreover, this substitution occurs at a position that is conserved across species, and in silico analysis predicts this variant is probably damaging to the protein structure/function. Nonetheless, this variant lacks observation in a significant number of affected individuals, segregation data, and functional evidence, all of which would further clarify pathogenicity.Therefore, based on the currently available information, it is unclear whether this variant is pathogenic or rare benign.
ClinVar note: Reason: This record appears to be redundant with a more recent record from the same submitter.
ClinVar note: Notes: SCV000491839 appears to be redundant with SCV002574665.

Literature cited by the submitters: PubMed 37768253 (cited by Ambry Genetics); PubMed 38938828 (cited by Ambry Genetics and Color Diagnostics, LLC DBA Color Health); PubMed 31194698 (cited by Labcorp Genetics (formerly Invitae), Labcorp and Color Diagnostics, LLC DBA Color Health).